The following is an entry in ClinVar:

NM_000748.3(CHRNB2):c.416A>G (p.Tyr139Cys)

Gene: CHRNB2 (cholinergic receptor nicotinic beta 2 subunit; plus strand). Cytogenetic location: 1q21.3.
Variant type: single nucleotide variant.
Coding change: c.416A>G on transcript NM_000748.3 (MANE Select); coding-DNA position 416, A replaced by G.
Protein change: p.Tyr139Cys; replaces tyrosine 139 with cysteine.
Molecular consequence: missense variant.
Genome position (GRCh38, 1-based): chr1:154,571,239, A>G. VCF-style: chr1-154571239-A-G. GRCh37 (hg19) VCF-style: chr1-154543715-A-G.
Other names: short protein forms Y139C.
Identifiers: ClinVar variation 1958867 (VCV001958867.5), dbSNP rs1466236236, ClinGen allele CA342629972.

ClinVar aggregate classification (germline): Uncertain significance (1 of 4 stars; one submission).

Conditions:
Familial sleep-related hypermotor epilepsy. Also called: Autosomal Dominant Sleep-Related Hypermotor (Hyperkinetic) Epilepsy. Identifiers: Orphanet 98784, MedGen C3696898, MONDO:0000030.

Allele frequency attached by ClinVar (database versions not stated): gnomAD exomes below 0.00001.

Submission:

Labcorp Genetics (formerly Invitae), Labcorp
Classification: Uncertain significance. Last evaluated: 2024-04-05. Review status: criteria provided, single submitter. Criteria: Invitae Variant Classification Sherloc (09022015). Collection method: clinical testing. Allele origin: germline.
Comment: This sequence change replaces tyrosine, which is neutral and polar, with cysteine, which is neutral and slightly polar, at codon 139 of the CHRNB2 protein (p.Tyr139Cys). This variant is present in population databases (no rsID available, gnomAD 0.002%). This variant has not been reported in the literature in individuals affected with CHRNB2-related conditions. ClinVar contains an entry for this variant (Variation ID: 1958867). Advanced modeling of protein sequence and biophysical properties (such as structural, functional, and spatial information, amino acid conservation, physicochemical variation, residue mobility, and thermodynamic stability) performed at Invitae indicates that this missense variant is not expected to disrupt CHRNB2 protein function with a negative predictive value of 80%. In summary, the available evidence is currently insufficient to determine the role of this variant in disease. Therefore, it has been classified as a Variant of Uncertain Significance.